The following is an entry in ClinVar:

NM_001384732.1(CPLANE1):c.3296T>G (p.Ile1099Ser)

Gene: CPLANE1 (ciliogenesis and planar polarity effector complex subunit 1; minus strand). Cytogenetic location: 5p13.2.
Variant type: single nucleotide variant.
Coding change: c.3296T>G on transcript NM_001384732.1 (MANE Select); coding-DNA position 3296, T replaced by G.
Protein change: p.Ile1099Ser; replaces isoleucine 1099 with serine.
Molecular consequence: missense variant.
Genome position (GRCh38, 1-based): chr5:37,201,802, A>C on the plus strand (T>G on the coding strand, the complement: CPLANE1 is on the minus strand). VCF-style: chr5-37201802-A-C. GRCh37 (hg19) VCF-style: chr5-37201904-A-C.
Other names: c.3296T>G, p.Ile1099Ser (NM_023073.4); short protein forms I1099S.
Identifiers: ClinVar variation 1422707 (VCV001422707.6), dbSNP rs756480354, ClinGen allele CA359513370.

ClinVar aggregate classification (germline): Uncertain significance (1 of 4 stars; one submission).

Allele frequency attached by ClinVar (database versions not stated): TOPMed below 0.00001; gnomAD 0.00001.
gnomAD v4.1: 1 of 1,608,596 alleles (0.000062%); highest among the groups gnomAD compares: Admixed American, 0.0017%; no homozygotes.

Submission:

Labcorp Genetics (formerly Invitae), Labcorp
Classification: Uncertain significance. Last evaluated: 2022-09-19. Review status: criteria provided, single submitter. Criteria: Invitae Variant Classification Sherloc (09022015). Collection method: clinical testing. Allele origin: germline.
Comment: In summary, the available evidence is currently insufficient to determine the role of this variant in disease. Therefore, it has been classified as a Variant of Uncertain Significance. Advanced modeling of protein sequence and biophysical properties (such as structural, functional, and spatial information, amino acid conservation, physicochemical variation, residue mobility, and thermodynamic stability) has been performed at Invitae for this missense variant, however the output from this modeling did not meet the statistical confidence thresholds required to predict the impact of this variant on CPLANE1 protein function. ClinVar contains an entry for this variant (Variation ID: 1422707). This variant has not been reported in the literature in individuals affected with CPLANE1-related conditions. This variant is not present in population databases (gnomAD no frequency). This sequence change replaces isoleucine, which is neutral and non-polar, with serine, which is neutral and polar, at codon 1099 of the CPLANE1 protein (p.Ile1099Ser).